The following is an entry in ClinVar:

ClinVar aggregate classification (germline): Uncertain significance. Review status: criteria provided, multiple submitters, no conflicts (2 of 4 stars). 2 submissions from 2 submitters: Uncertain significance (2). Last evaluated 2023-12-11.

Conditions:
Intellectual developmental disorder with autism and macrocephaly. Also called: Autism, susceptibility to, 18; CHD8-Related Neurodevelopmental Disorder with Overgrowth. Identifiers: Orphanet 642675, MedGen C3554373, MONDO:0014017, OMIM 615032.

Allele frequency attached by ClinVar (database versions not stated): gnomAD exomes below 0.00001.
gnomAD v4.1: 4 of 1,572,694 alleles (0.00025%); highest among the groups gnomAD compares: East Asian, 0.0023%; no homozygotes.

Submissions (2):

Labcorp Genetics (formerly Invitae), Labcorp
Classification: Uncertain significance. Last evaluated: 2023-12-11. Review status: criteria provided, single submitter. Criteria: Invitae Variant Classification Sherloc (09022015). Collection method: clinical testing. Allele origin: germline.
Comment: This sequence change replaces lysine, which is basic and polar, with arginine, which is basic and polar, at codon 702 of the CHD8 protein (p.Lys702Arg). This variant is not present in population databases (gnomAD no frequency). This variant has not been reported in the literature in individuals affected with CHD8-related conditions. ClinVar contains an entry for this variant (Variation ID: 2440013). Advanced modeling of protein sequence and biophysical properties (such as structural, functional, and spatial information, amino acid conservation, physicochemical variation, residue mobility, and thermodynamic stability) performed at Invitae indicates that this missense variant is not expected to disrupt CHD8 protein function with a negative predictive value of 80%. In summary, the available evidence is currently insufficient to determine the role of this variant in disease. Therefore, it has been classified as a Variant of Uncertain Significance.

Revvity Omics, Revvity
Classification: Uncertain significance for Intellectual developmental disorder with autism and macrocephaly. Last evaluated: 2022-10-04. Review status: criteria provided, single submitter. Criteria: ACMG Guidelines, 2015. Collection method: clinical testing. Allele origin: germline.

NM_001170629.2(CHD8):c.2105A>G (p.Lys702Arg)

Gene: CHD8 (chromodomain helicase DNA binding protein 8; minus strand). Cytogenetic location: 14q11.2.
Variant type: single nucleotide variant.
Coding change: c.2105A>G on transcript NM_001170629.2 (MANE Select); coding-DNA position 2105, A replaced by G.
Protein change: p.Lys702Arg; replaces lysine 702 with arginine.
Molecular consequence: missense variant.
Genome position (GRCh38, 1-based): chr14:21,414,338, T>C on the plus strand (A>G on the coding strand, the complement: CHD8 is on the minus strand). VCF-style: chr14-21414338-T-C. GRCh37 (hg19) VCF-style: chr14-21882497-T-C.
Other names: c.1268A>G, p.Lys423Arg (NM_020920.4); short protein forms K423R, K702R.
Identifiers: ClinVar variation 2440013 (VCV002440013.6), dbSNP rs1888628991, ClinGen allele CA388877973.
Genomic context (GRCh38, chr14:21,414,338, plus strand): 5'-AGGCAATACCTATTCCTAATTACCTCATGGAAGAAGTGTCTCATCTGAGCCATTTTGGTT[T>C]TGAAGCGCTTTAATTTTTGATGTATCCTCTTATCCTTCTCTAGTTGGGAGATAGTAGCCC-3'
Protein context (NP_001164100.1, residues 692-712): KRIHQKLKRF[Lys702Arg]TKMAQMRHFF